The following is an entry in ClinVar:

ClinVar aggregate classification (germline): Conflicting classifications of pathogenicity. Review status: criteria provided, conflicting classifications (1 of 4 stars). 13 submissions from 13 submitters: Uncertain significance (1); Benign (7); Likely benign (4). 1 of the submissions does not count toward it. Last evaluated 2026-09-01.

Conditions:
LAMA2-related muscular dystrophy (LAMA2-RD). Also called: Laminin alpha 2-related dystrophy. Identifiers: MedGen C5679788, MONDO:0100228.
Merosin deficient congenital muscular dystrophy (MDC1A). Also called: Congenital merosin-deficient muscular dystrophy 1A; Congenital Muscular Dystrophy Type 1A (MDC1A). Identifiers: Orphanet 258, MedGen C1263858, MONDO:0011925, OMIM 607855.
Congenital muscular dystrophy due to partial LAMA2 deficiency. Identifiers: MedGen C1842898.
Polymicrogyria. Identifiers: Orphanet 35981, MedGen C0266464, MONDO:0000087, HP:0002126.

Allele frequency attached by ClinVar (database versions not stated): 1000 Genomes Project 0.00499; 1000 Genomes Project 30x 0.00531; TOPMed 0.00971; ESP Exome Variant Server 0.01269.
gnomAD v4.1: 24,890 of 1,610,812 alleles (1.5%); highest among the groups gnomAD compares: Non-Finnish European, 1.9%; 250 homozygotes.

Submissions (13):

CeGaT Center for Human Genetics Tuebingen
Classification: Benign. Last evaluated: 2026-09-01. Review status: criteria provided, single submitter. Criteria: CeGaT Center For Human Genetics Tuebingen Variant Classification Criteria Version 2. Collection method: clinical testing. Allele origin: germline. Affected: yes. Observed: 51 variant alleles.
Comment: LAMA2: BP4, BS1, BS2

Labcorp Genetics (formerly Invitae), Labcorp
Classification: Benign for LAMA2-related muscular dystrophy. Last evaluated: 2026-02-02. Review status: criteria provided, single submitter. Criteria: Invitae Variant Classification Sherloc (09022015). Collection method: clinical testing. Allele origin: germline.

Blueprint Genetics
Classification: Likely benign. Last evaluated: 2024-11-26. Review status: criteria provided, single submitter. Criteria: ACMG Guidelines, 2015. Collection method: clinical testing. Allele origin: germline.

Women's Health and Genetics/Laboratory Corporation of America, LabCorp
Classification: Likely benign. Last evaluated: 2022-02-17. Review status: criteria provided, single submitter. Criteria: LabCorp Variant Classification Summary - May 2015. Collection method: clinical testing. Allele origin: germline.

Mayo Clinic Laboratories, Mayo Clinic
Classification: Benign. Last evaluated: 2019-10-28. Review status: criteria provided, single submitter. Criteria: ACMG Guidelines, 2015. Collection method: clinical testing. Allele origin: germline. Observed: 99 variant alleles.

GeneDx
Classification: Benign. Last evaluated: 2019-03-18. Review status: criteria provided, single submitter. Criteria: GeneDx Variant Classification Process June 2021. Collection method: clinical testing. Allele origin: germline. Affected: yes.
Comment: This variant is associated with the following publications: (PMID: 20207543, 9541105, 25256590, 27535533, 29706646)

Illumina Laboratory Services, Illumina
Classification: Likely benign for Congenital muscular dystrophy due to partial LAMA2 deficiency. Last evaluated: 2018-03-08. Review status: criteria provided, single submitter. Criteria: ICSL Variant Classification Criteria 13 December 2019. Collection method: clinical testing. Allele origin: germline.
Comment: This variant was observed as part of a predisposition screen in an ostensibly healthy population. A literature search was performed for the gene, cDNA change, and amino acid change (where applicable). Publications were found based on this search. The evidence from the literature, in combination with allele frequency data from public databases where available, was sufficient to determine this variant is unlikely to cause disease. Therefore, this variant is classified as likely benign.

Lupski Lab, Baylor-Hopkins CMG, Baylor College of Medicine
Classification: Uncertain significance for Polymicrogyria. Last evaluated: 2017-09-01. Review status: criteria provided, single submitter. Criteria: Wiszniewski et al. (Eur J Hum Genet. 2018). Collection method: research. Allele origin: inherited, unknown. Inheritance: Autosomal recessive inheritance. Affected: yes and no. Observed: 2 variant alleles.

Center for Pediatric Genomic Medicine, Children's Mercy Hospital and Clinics
Classification: Likely benign. Last evaluated: 2015-02-11. Review status: criteria provided, single submitter. Criteria: ACMG Guidelines, 2015. Collection method: clinical testing. Allele origin: germline.
ClinVar note: Converted during submission from Likely Benign to Likely benign.

Eurofins Ntd Llc (ga)
Classification: Benign. Last evaluated: 2013-10-04. Review status: criteria provided, single submitter. Criteria: EGL Classification Definitions 2015. Collection method: clinical testing. Allele origin: germline. Observed: 2 variant alleles, 2 homozygotes.

Broad Center for Mendelian Genomics, Broad Institute of MIT and Harvard
Classification: Benign for Merosin deficient congenital muscular dystrophy. Review status: criteria provided, single submitter. Criteria: ACMG Guidelines, 2015. Collection method: research. Allele origin: germline. Inheritance: Autosomal recessive inheritance. Affected: yes.
Comment: The heterozygous p.Arg1844Ser variant in LAMA2 has been reported in the compound heterozygous state, with a splice site mutation, in an individual with congenital muscular dystrophy (PMID: 20207543), but has also been identified in >1% of European (non-Finnish) chromosomes and 18 homozygotes by ExAC. In summary, this variant meets criteria to be classified as benign for autosomal recessive congenital muscular dystrophy.

PreventionGenetics, part of Exact Sciences
Classification: Benign. Review status: criteria provided, single submitter. Criteria: ACMG Guidelines, 2015. Collection method: clinical testing. Allele origin: germline.

Genetic Services Laboratory, University of Chicago
Classification: Likely benign for AllHighlyPenetrant. Review status: no assertion criteria provided. Collection method: clinical testing. Allele origin: germline. Inheritance: Autosomal recessive inheritance. Not counted in ClinVar's aggregate classification.
Comment: Likely benign based on allele frequency in 1000 Genomes Project or ESP global frequency and its presence in a patient with a rare or unrelated disease phenotype. NOT Sanger confirmed.

Literature cited by the submitters: PubMed 20207543 (cited by Illumina Laboratory Services, Illumina).

NM_000426.4(LAMA2):c.5530C>A (p.Arg1844Ser)

Gene: LAMA2 (laminin subunit alpha 2; plus strand). Cytogenetic location: 6q22.33.
Variant type: single nucleotide variant.
Coding change: c.5530C>A on transcript NM_000426.4 (MANE Select); coding-DNA position 5530, C replaced by A.
Protein change: p.Arg1844Ser; replaces arginine 1844 with serine.
Molecular consequence: missense variant.
Genome position (GRCh38, 1-based): chr6:129,401,308, C>A. VCF-style: chr6-129401308-C-A. GRCh37 (hg19) VCF-style: chr6-129722453-C-A.
Other names: c.5530C>A, p.Arg1844Ser (NM_001079823.2); short protein forms R1844S.
Identifiers: ClinVar variation 92968 (VCV000092968.56), dbSNP rs56173620, ClinGen allele CA146139.